The following is an entry in ClinVar:

ClinVar aggregate classification (germline): Likely pathogenic (1 of 4 stars; one submission).

Conditions:
Rubinstein-Taybi syndrome due to CREBBP mutations (RSTS1). Also called: BROAD THUMBS AND GREAT TOES, CHARACTERISTIC FACIES, AND IMPAIRED INTELLECTUAL DEVELOPMENT; BROAD THUMB-HALLUX SYNDROME; RUBINSTEIN-TAYBI SYNDROME 1, INCOMPLETE; Rubinstein-Taybi syndrome 1; CREBBP-Related Rubinstein-Taybi Syndrome; RUBINSTEIN SYNDROME. Identifiers: Orphanet 353277, Orphanet 783, MedGen C4551859, MONDO:0008393, OMIM 180849.

Submission:

3billion
Classification: Likely pathogenic for Rubinstein-Taybi syndrome due to CREBBP mutations. Last evaluated: 2024-02-22. Review status: criteria provided, single submitter. Criteria: ACMG Guidelines, 2015. Collection method: clinical testing. Allele origin: germline. Affected: yes.
Comment: The variant is not observed in the gnomAD v2.1.1 dataset. Predicted Consequence/Location: Canonical splice site: predicted to alter splicing and result in a loss or disruption of normal protein function. Multiple pathogenic loss-of-function variants are reported downstream of the variant. In silico tools predict the variant to alter splicing and produce an abnormal transcript [Splice AI: 0.95 (spliceogenicity >=0.2, non-spliceogenicity <0.1)]. Therefore, this variant is classified as Likely pathogenic according to the recommendation of ACMG/AMP guideline.

NM_004380.3(CREBBP):c.2284-2A>G

Gene: CREBBP (CREB binding lysine acetyltransferase; minus strand). Cytogenetic location: 16p13.3.
Variant type: single nucleotide variant.
Coding change: c.2284-2A>G on transcript NM_004380.3 (MANE Select); the canonical splice acceptor site of the intron before coding-DNA position 2284, A replaced by G.
Molecular consequence: splice acceptor variant.
Genome position (GRCh38, 1-based): chr16:3,773,932, T>C on the plus strand (A>G on the coding strand, the complement: CREBBP is on the minus strand). VCF-style: chr16-3773932-T-C. GRCh37 (hg19) VCF-style: chr16-3823933-T-C.
Other names: c.2170-2A>G (NM_001079846.1).
Identifiers: ClinVar variation 3776272 (VCV003776272.1).